The following is an entry in ClinVar:

NM_024334.3(TMEM43):c.463A>G (p.Ile155Val)

Gene: TMEM43 (transmembrane protein 43; plus strand). Cytogenetic location: 3p25.1.
Variant type: single nucleotide variant.
Coding change: c.463A>G on transcript NM_024334.3 (MANE Select); coding-DNA position 463, A replaced by G.
Protein change: p.Ile155Val; replaces isoleucine 155 with valine.
Molecular consequence: missense variant.
Genome position (GRCh38, 1-based): chr3:14,132,886, A>G. VCF-style: chr3-14132886-A-G. GRCh37 (hg19) VCF-style: chr3-14174386-A-G.
Other names: short protein forms I155V.
Identifiers: ClinVar variation 919449 (VCV000919449.4), dbSNP rs1695115973, ClinGen allele CA351535142.

ClinVar aggregate classification (germline): Uncertain significance (1 of 4 stars; one submission).

Conditions:
Cardiomyopathy (CMYO). Also called: Cardiomyopathies. Identifiers: Orphanet 167848, MedGen C0878544, MONDO:0004994, HP:0001638. Inheritance: Various modes of inheritance.

Submission:

Color Diagnostics, LLC DBA Color Health
Classification: Uncertain significance for Cardiomyopathy. Last evaluated: 2024-03-07. Review status: criteria provided, single submitter. Criteria: ACMG Guidelines, 2015. Collection method: clinical testing. Allele origin: germline.
Comment: This missense variant replaces isoleucine with valine at codon 155 of the TMEM43 protein. Computational prediction suggests that this variant may not impact protein structure and function (internally defined REVEL score threshold <= 0.5, PMID: 27666373). Splice site prediction tools suggest that this variant may not impact RNA splicing. To our knowledge, functional studies have not been performed for this variant. This variant has not been reported in individuals affected with cardiovascular disorders in the literature. This variant has not been identified in the general population by the Genome Aggregation Database (gnomAD). The available evidence is insufficient to determine the role of this variant in disease conclusively. Therefore, this variant is classified as a Variant of Uncertain Significance.